The following is an entry in ClinVar:

ClinVar aggregate classification (germline): Uncertain significance (1 of 4 stars; one submission).

Conditions:
CLTC-related disorder. Also called: CLTC-related condition.

gnomAD v4.1: 1 of 1,614,064 alleles (0.000062%); highest among the groups gnomAD compares: South Asian, 0.0011%; no homozygotes.

Submission:

PreventionGenetics, part of Exact Sciences
Classification: Uncertain significance for CLTC-related condition. Last evaluated: 2025-03-12. Review status: criteria provided, single submitter. Criteria: ACMG Guidelines, 2015. Collection method: clinical testing. Allele origin: germline.
Comment: The CLTC c.658T>C variant is predicted to result in the amino acid substitution p.Phe220Leu. To our knowledge, this variant has not been reported in the literature or in a large population database (gnomAD), indicating this variant is rare. At this time, the clinical significance of this variant is uncertain due to the absence of conclusive functional and genetic evidence.

NM_004859.4(CLTC):c.646T>C (p.Phe216Leu)

Gene: CLTC (clathrin heavy chain; plus strand). Cytogenetic location: 17q23.1.
Variant type: single nucleotide variant.
Coding change: c.646T>C on transcript NM_004859.4 (MANE Select); coding-DNA position 646, T replaced by C.
Protein change: p.Phe216Leu; replaces phenylalanine 216 with leucine.
Molecular consequence: missense variant.
Genome position (GRCh38, 1-based): chr17:59,648,366, T>C. VCF-style: chr17-59648366-T-C. GRCh37 (hg19) VCF-style: chr17-57725727-T-C.
Other names: c.658T>C, p.Phe220Leu (NM_001288653.2); short protein forms F216L, F220L.
Identifiers: ClinVar variation 4996944 (VCV004996944.1).